The following continues an entry in ClinVar:

NM_004360.5(CDH1):c.1792C>T (p.Arg598Ter)

Gene: CDH1. ClinVar aggregate classification (germline): Pathogenic. Pathogenic (1).

Submissions 14 to 16 of 16:

Department of Pathology and Laboratory Medicine, Sinai Health System
Classification: Pathogenic for Hereditary diffuse gastric adenocarcinoma. Review status: no assertion criteria provided. Collection method: clinical testing. Allele origin: unknown. Affected: yes. Study: The Canadian Open Genetics Repository (COGR). Not counted in ClinVar's aggregate classification.
Comment: The CDH1 p.Arg598* variant was identified in 7 of 112 proband chromosomes (frequency: 0.06) from families with hereditary diffuse gastric cancer (Huntsman 2001, Suriano 2005, Gayther 1998, Shah 2012). The variant was identified in dbSNP (rs121964877) as â€šÃ„Ãºwith pathogenic, uncertain significance alleleâ€šÃ„Ã¹, ClinVar (classified as pathogenic by a ClinGen expert panel (2018), Invitae, Ambry Genetics, GeneDx, and two other submitters). The variant was not identified in the following control databases: the Exome Aggregation Consortium (August 8th 2016) or the Genome Aggregation Database (Feb 27, 2017). The variant was also observed in a lobular breast cancer case in an HDGC family (Suriano 2005). The c.1792C>T variant leads to a premature stop codon at position 598, which is predicted to lead to a truncated or absent protein and loss of function. Loss of function variants of the CDH1 gene are an established mechanism of disease in hereditary diffuse gastric cancer and is the type of variant expected to cause the disorder. In summary, based on the above information, this variant meets our laboratoryâ€šÃ„Ã´s criteria to be classified as pathogenic.

Diagnostic Laboratory, Department of Genetics, University Medical Center Groningen
Classification: Pathogenic. Review status: no assertion criteria provided. Collection method: clinical testing. Allele origin: germline. Affected: yes. Study: VKGL Data-share Consensus. Not counted in ClinVar's aggregate classification.

Joint Genome Diagnostic Labs from Nijmegen and Maastricht, Radboudumc and MUMC+
Classification: Pathogenic. Review status: no assertion criteria provided. Collection method: clinical testing. Allele origin: germline. Affected: yes. Study: VKGL Data-share Consensus. Not counted in ClinVar's aggregate classification.

Literature cited by the submitters: PubMed 9751616 (cited by 6 submitters); PubMed 11419427 (cited by 5 submitters); PubMed 21696387 (cited by 5 submitters); PubMed 16061854 (cited by 6 submitters); PubMed 15457549 (cited by Ambry Genetics); PubMed 17545690 (cited by Ambry Genetics); PubMed 19965908 (cited by 3 submitters); PubMed 20233471 (cited by Ambry Genetics); PubMed 29589180 (cited by Ambry Genetics and Color Diagnostics, LLC DBA Color Health); PubMed 15235021 (cited by Labcorp Genetics (formerly Invitae), Labcorp); PubMed 20373070 (cited by Labcorp Genetics (formerly Invitae), Labcorp); PubMed 18788075 (cited by 3 submitters); PubMed 21271559 (cited by Labcorp Genetics (formerly Invitae), Labcorp and Quest Diagnostics Nichols Institute San Juan Capistrano); PubMed 11968084 (cited by Color Diagnostics, LLC DBA Color Health); PubMed 18442100 (cited by Color Diagnostics, LLC DBA Color Health); PubMed 28688938 (cited by Color Diagnostics, LLC DBA Color Health and European Reference Network on Genetic Tumour Risk Syndromes (ERN-GENTURIS), i3s - Instituto de Investigação e Inovação em Saúde, University of Porto); PubMed 36436516 (cited by European Reference Network on Genetic Tumour Risk Syndromes (ERN-GENTURIS), i3s - Instituto de Investigação e Inovação em Saúde, University of Porto); PubMed 25525159 (cited by Counsyl).